The following is an entry in ClinVar:

NM_003560.4(PLA2G6):c.*301G>A

Gene: PLA2G6 (phospholipase A2 group VI; minus strand). Cytogenetic location: 22q13.1.
Variant type: single nucleotide variant.
Coding change: c.*301G>A on transcript NM_003560.4 (MANE Select); 301 bases downstream of the stop codon, G replaced by A.
Molecular consequence: 3 prime UTR variant.
Genome position (GRCh38, 1-based): chr22:38,111,860, C>T on the plus strand (G>A on the coding strand, the complement: PLA2G6 is on the minus strand). VCF-style: chr22-38111860-C-T. GRCh37 (hg19) VCF-style: chr22-38507867-C-T.
Other names: c.*301G>A (NM_001004426.3, NM_001199562.3, NM_001349864.2 and 5 more transcripts).
Identifiers: ClinVar variation 341630 (VCV000341630.5), dbSNP rs11570769, ClinGen allele CA10654125.
Genomic context (GRCh38, chr22:38,111,860, plus strand): 5'-AGAGGCAGCCCGGCAGGCCCTCAGGGAGGCTGGGGCTGGGGGCAGGGGTACGGTTGTGCC[C>T]GGGTACCCTTAATGTTTGAGCTGATGGGGGAGTCAGTTGTCCTTGACAGTCAGGGAAAGG-3'

ClinVar aggregate classification (germline): Benign (1 of 4 stars; one submission).

Conditions:
PLA2G6-associated neurodegeneration (PLAN). Also called: phospholipase A2-associated neurodegeneration. Identifiers: Orphanet 329303, MedGen CN204472, MONDO:0017998.

Allele frequency attached by ClinVar (database versions not stated): 1000 Genomes Project 0.00619; 1000 Genomes Project 30x 0.00593; gnomAD 0.00095 and 0.00120; TOPMed 0.00170; gnomAD exomes 0.00217.
gnomAD v4.1: 805 of 446,950 alleles (0.18%); highest among the groups gnomAD compares: East Asian, 3.1%; 16 homozygotes.

Submission:

Illumina Laboratory Services, Illumina
Classification: Benign for PLA2G6-associated neurodegeneration. Last evaluated: 2018-01-12. Review status: criteria provided, single submitter. Criteria: ICSL Variant Classification Criteria 13 December 2019. Collection method: clinical testing. Allele origin: germline.
Comment: This variant was observed in the ICSL laboratory as part of a predisposition screen in an ostensibly healthy population. It had not been previously curated by ICSL or reported in the Human Gene Mutation Database (HGMD: prior to June 1st, 2018), and was therefore a candidate for classification through an automated scoring system. Utilizing variant allele frequency, disease prevalence and penetrance estimates, and inheritance mode, an automated score was calculated to assess if this variant is too frequent to cause the disease. Based on the score and internal cut-off values, a variant classified as benign is not then subjected to further curation. The score for this variant resulted in a classification of benign for this disease.